The following is an entry in ClinVar:

ClinVar aggregate classification (germline): Uncertain significance. Review status: criteria provided, multiple submitters, no conflicts (2 of 4 stars). 2 submissions from 2 submitters: Uncertain significance (2). Last evaluated 2025-11-15.

gnomAD v4.1: 154 of 1,613,560 alleles (0.0095%); highest among the groups gnomAD compares: Middle Eastern, 0.31%; no homozygotes.

Submissions (2):

GeneDx
Classification: Uncertain significance. Last evaluated: 2025-11-15. Review status: criteria provided, single submitter. Criteria: GeneDx Variant Classification Process June 2021. Collection method: clinical testing. Allele origin: germline.
Comment: Has not been previously published as pathogenic or benign to our knowledge; In silico analysis suggests that this missense variant does not alter protein structure/function

Ambry Genetics
Classification: Uncertain significance. Last evaluated: 2024-06-04. Review status: criteria provided, single submitter. Criteria: Ambry Variant Classification Scheme 2023. Collection method: clinical testing. Allele origin: germline.

NM_001014342.3(FLG2):c.6559G>A (p.Glu2187Lys)

Genes: CCDST (cervical cancer associated DHX9 suppressive transcript; plus strand), FLG2 (filaggrin 2; minus strand). Cytogenetic location: 1q21.3.
Variant type: single nucleotide variant.
Coding change: c.6559G>A on transcript NM_001014342.3 (MANE Select); coding-DNA position 6559, G replaced by A.
Protein change: p.Glu2187Lys; replaces glutamic acid 2187 with lysine.
Molecular consequence: missense variant.
Genome position (GRCh38, 1-based): chr1:152,351,227, C>T on the plus strand (G>A on the coding strand, the complement: FLG2 is on the minus strand). VCF-style: chr1-152351227-C-T. GRCh37 (hg19) VCF-style: chr1-152323703-C-T.
Other names: short protein forms E2187K.
Identifiers: ClinVar variation 3279136 (VCV003279136.3).
Genomic context (GRCh38, chr1:152,351,227, plus strand): 5'-GAGATCCGGCTTGGCTGTGAGTGTGTCCTGAATGTGTGGGTGAGGCCTCTGAGTGCACTT[C>T]ACTATCACTGGACTCACTGTGACTAGATCTTTGTCTTCCAGTTGTCCTGGAACCTGTCTG-3'
Protein context (NP_001014364.1, residues 2177-2197): RSSHSESSDS[Glu2187Lys]VHSEASPTHS